The following is an entry in ClinVar:

NM_004329.3(BMPR1A):c.986G>A (p.Arg329Lys)

Gene: BMPR1A (bone morphogenetic protein receptor type 1A; plus strand). Cytogenetic location: 10q23.2.
Variant type: single nucleotide variant.
Coding change: c.986G>A on transcript NM_004329.3 (MANE Select); coding-DNA position 986, G replaced by A.
Protein change: p.Arg329Lys; replaces arginine 329 with lysine.
Molecular consequence: missense variant.
Genome position (GRCh38, 1-based): chr10:86,919,289, G>A. VCF-style: chr10-86919289-G-A. GRCh37 (hg19) VCF-style: chr10-88679046-G-A.
Other names: short protein forms R329K.
Identifiers: ClinVar variation 632673 (VCV000632673.3), dbSNP rs1554891054, ClinGen allele CA377460413.
Genomic context (GRCh38, chr10:86,919,289, plus strand): 5'-CTGATTACCATGAAAATGGATCTCTCTATGACTTCCTGAAATGTGCTACACTGGACACCA[G>A]AGCCCTGCTTAAATTGGCTTATTCAGCTGCCTGTGGTCTGTGCCACCTGCACACAGAAAT-3'
Protein context (NP_004320.2, residues 319-339): DFLKCATLDT[Arg329Lys]ALLKLAYSAA

ClinVar aggregate classification (germline): Uncertain significance. Review status: criteria provided, multiple submitters, no conflicts (2 of 4 stars). 2 submissions from 2 submitters: Uncertain significance (2). Last evaluated 2024-10-02.

Conditions:
Juvenile polyposis syndrome (JPS). Identifiers: Orphanet 2929, MedGen C0345893, MONDO:0017380, OMIM 174900.

Submissions (2):

Labcorp Genetics (formerly Invitae), Labcorp
Classification: Uncertain significance for Juvenile polyposis syndrome. Last evaluated: 2024-10-02. Review status: criteria provided, single submitter. Criteria: Invitae Variant Classification Sherloc (09022015). Collection method: clinical testing. Allele origin: germline.
Comment: This sequence change replaces arginine, which is basic and polar, with lysine, which is basic and polar, at codon 329 of the BMPR1A protein (p.Arg329Lys). This variant is not present in population databases (gnomAD no frequency). This variant has not been reported in the literature in individuals affected with BMPR1A-related conditions. ClinVar contains an entry for this variant (Variation ID: 632673). Invitae Evidence Modeling of protein sequence and biophysical properties (such as structural, functional, and spatial information, amino acid conservation, physicochemical variation, residue mobility, and thermodynamic stability) has been performed for this missense variant. However, the output from this modeling did not meet the statistical confidence thresholds required to predict the impact of this variant on BMPR1A protein function. In summary, the available evidence is currently insufficient to determine the role of this variant in disease. Therefore, it has been classified as a Variant of Uncertain Significance.

Women's Health and Genetics/Laboratory Corporation of America, LabCorp
Classification: Uncertain significance. Last evaluated: 2018-04-06. Review status: criteria provided, single submitter. Criteria: LabCorp Variant Classification Summary - May 2015. Collection method: clinical testing. Allele origin: germline.
Comment: Variant summary: BMPR1A c.986G>A (p.Arg329Lys) results in a conservative amino acid change located in the Serine-threonine/tyrosine-protein kinase, catalytic domain of the encoded protein sequence. Four of five in-silico tools predict a benign effect of the variant on protein function. The variant was absent in 245958 control chromosomes. The available data on variant occurrences in the general population are insufficient to allow any conclusion about variant significance. To our knowledge, no occurrence of c.986G>A in individuals affected with Juvenile Polyposis Syndrome and no experimental evidence demonstrating its impact on protein function have been reported. No clinical diagnostic laboratories have submitted clinical-significance assessments for this variant to ClinVar after 2014. Based on the evidence outlined above, the variant was classified as uncertain significance.